The following is an entry in ClinVar:

ClinVar aggregate classification (germline): Conflicting classifications of pathogenicity. Review status: criteria provided, conflicting classifications (1 of 4 stars). 3 submissions from 3 submitters: Likely pathogenic (2); Uncertain significance (1). Last evaluated 2026-01-07.

Conditions:
Acid sphingomyelinase deficiency. Identifiers: Orphanet 618899, MedGen C5243927, MONDO:0100464.
Niemann-Pick disease, type B. Also called: Chronic Visceral ASMD (Niemann-Pick Disease Type B; NPD-B). Identifiers: Orphanet 77293, MedGen C0268243, MONDO:0011871, OMIM 607616. Disease mechanism: loss of function.
Niemann-Pick disease, type A. Also called: Infantile Neurovisceral ASMD (Niemann-Pick Disease Type A; NPD-A); SPHINGOMYELIN LIPIDOSIS; SPHINGOMYELINASE DEFICIENCY. Identifiers: Orphanet 77292, MedGen C0268242, MONDO:0009756, OMIM 257200. Disease mechanism: loss of function.

gnomAD v4.1: 4 of 1,614,172 alleles (0.00025%); highest among the groups gnomAD compares: Non-Finnish European, 0.00017%; no homozygotes.

Submissions (3):

Myriad Genetics, Inc.
Classification: Uncertain significance for Acid sphingomyelinase deficiency. Last evaluated: 2026-01-07. Review status: criteria provided, single submitter. Criteria: Myriad Autosomal Dominant, Autosomal Recessive and X-Linked Classification Criteria (2023). Collection method: clinical testing. Allele origin: unknown.
Comment: NM_000543.4(SMPD1):c.1730A>T(H577L) is a missense variant classified as a variant of uncertain significance in the context of Niemann-Pick disease, SMPD1-related. H577L has been observed in a case with relevant disease (PMID: 15234149). Relevant functional assessments of this variant are not available in the literature. H577L has not been observed in referenced population frequency databases. In summary, there is insufficient evidence to classify NM_000543.4(SMPD1):c.1730A>T(H577L) as pathogenic or benign. Please note: this variant was assessed in the context of healthy population screening.

Natera, Inc.
Classification: Likely pathogenic for Niemann-Pick Disease, Types A/B. Last evaluated: 2024-03-29. Review status: criteria provided, single submitter. Criteria: Natera Variant Classification Schema (03/2026). Collection method: clinical testing. Allele origin: germline.
Comment: The c.1730A>T variant in SMPD1 is a missense variant predicted to cause substitution of histidine to leucine at amino acid 577. This variant is rare in the general population with a frequency below the threshold expected for the associated phenotype(s). This variant has been observed in one or more individuals affected with the associated recessive disease, as either homozygous or compound heterozygous with a second variant (PMID: 17011332, 15234149). This variant has been observed to segregate in affected family members (PMID: 17011332, 15234149). A different variant at the same position has been determined to be Pathogenic or Likely Pathogenic. Computational prediction algorithms indicate this variant is likely to affect gene or protein function. Given the available evidence, this variant is classified as Likely Pathogenic.

Labcorp Genetics (formerly Invitae), Labcorp
Classification: Likely pathogenic for Niemann-Pick disease, type B; Niemann-Pick disease, type A. Last evaluated: 2024-02-05. Review status: criteria provided, single submitter. Criteria: Invitae Variant Classification Sherloc (09022015). Collection method: clinical testing. Allele origin: germline.
Comment: This sequence change replaces histidine, which is basic and polar, with leucine, which is neutral and non-polar, at codon 577 of the SMPD1 protein (p.His577Leu). This variant is not present in population databases (gnomAD no frequency). This missense change has been observed in individual(s) with Niemann-Pick disease (PMID: 12712061). This variant is also known as H576L. Advanced modeling of protein sequence and biophysical properties (such as structural, functional, and spatial information, amino acid conservation, physicochemical variation, residue mobility, and thermodynamic stability) performed at Invitae indicates that this missense variant is expected to disrupt SMPD1 protein function with a positive predictive value of 95%. This variant disrupts the p.His577 amino acid residue in SMPD1. Other variant(s) that disrupt this residue have been determined to be pathogenic (PMID: 20386867, 34273913). This suggests that this residue is clinically significant, and that variants that disrupt this residue are likely to be disease-causing. In summary, the currently available evidence indicates that the variant is pathogenic, but additional data are needed to prove that conclusively. Therefore, this variant has been classified as Likely Pathogenic.

Literature cited by the submitters: PubMed 15234149 (cited by Myriad Genetics, Inc. and Natera, Inc.); PubMed 17011332 (cited by Natera, Inc.); PubMed 12712061 (cited by Labcorp Genetics (formerly Invitae), Labcorp); PubMed 20386867 (cited by Labcorp Genetics (formerly Invitae), Labcorp); PubMed 34273913 (cited by Labcorp Genetics (formerly Invitae), Labcorp).

NM_000543.5(SMPD1):c.1730A>T (p.His577Leu)

Gene: SMPD1 (sphingomyelin phosphodiesterase 1; plus strand). Cytogenetic location: 11p15.4.
Variant type: single nucleotide variant.
Coding change: c.1730A>T on transcript NM_000543.5 (MANE Select); coding-DNA position 1730, A replaced by T.
Protein change: p.His577Leu; replaces histidine 577 with leucine.
Molecular consequence: missense variant. On other transcripts: 3 prime UTR variant (1), non-coding transcript variant (2).
Genome position (GRCh38, 1-based): chr11:6,394,441, A>T. VCF-style: chr11-6394441-A-T. GRCh37 (hg19) VCF-style: chr11-6415671-A-T.
Other names: c.1727A>T, p.His576Leu (NM_001007593.3); c.*223A>T (NM_001318087.2); c.809A>T, p.His270Leu (NM_001318088.2); c.1598A>T, p.His533Leu (NM_001365135.2); c.1730A>T (NM_000543.4); short protein forms H270L, H533L, H576L, H577L.
Identifiers: ClinVar variation 3759148 (VCV003759148.4).